The following is an entry in ClinVar:

ClinVar aggregate classification (germline): Likely pathogenic (1 of 4 stars; one submission).

Conditions:
Bartter syndrome. Identifiers: Orphanet 112, MedGen C0004775, MONDO:0015231.

Submission:

Natera, Inc.
Classification: Likely pathogenic for Bartter syndrome. Last evaluated: 2024-03-25. Review status: criteria provided, single submitter. Criteria: Natera Variant Classification Schema (03/2026). Collection method: clinical testing. Allele origin: germline.
Comment: The c.177+2T>C variant in BSND is a canonical splice donor site variant predicted to affect pre-mRNA splicing, which may result in an abnormal transcript and altered protein product. This variant is expected to result in nonsense mediated decay, truncation, or a dysfunctional protein product. This variant is rare in the general population with a frequency below the threshold expected for the associated phenotype(s). Given the available evidence, this variant is classified as Likely Pathogenic.

NM_057176.3(BSND):c.177+2T>C

Gene: BSND (barttin CLCNK type accessory subunit beta; plus strand). Cytogenetic location: 1p32.3.
Variant type: single nucleotide variant.
Coding change: c.177+2T>C on transcript NM_057176.3 (MANE Select); the canonical splice donor site of the intron after coding-DNA position 177, T replaced by C.
Molecular consequence: splice donor variant.
Genome position (GRCh38, 1-based): chr1:54,999,365, T>C. VCF-style: chr1-54999365-T-C. GRCh37 (hg19) VCF-style: chr1-55465038-T-C.
Identifiers: ClinVar variation 4816445 (VCV004816445.1).